The following is an entry in ClinVar:

NM_033056.4(PCDH15):c.5821G>A (p.Val1941Ile)

Gene: PCDH15 (protocadherin related 15; minus strand). Cytogenetic location: 10q21.1.
Variant type: single nucleotide variant.
Coding change: c.5821G>A on transcript NM_033056.4 (MANE Plus Clinical); coding-DNA position 5821, G replaced by A.
Protein change: p.Val1941Ile; replaces valine 1941 with isoleucine.
Molecular consequence: missense variant. On other transcripts: intron variant (8).
Genome position (GRCh38, 1-based): chr10:53,821,905, C>T on the plus strand (G>A on the coding strand, the complement: PCDH15 is on the minus strand). VCF-style: chr10-53821905-C-T. GRCh37 (hg19) VCF-style: chr10-55581665-C-T.
Other names: c.5842G>A, p.Val1948Ile (NM_001142763.2); c.5827G>A, p.Val1943Ile (NM_001142764.2); c.5614G>A, p.Val1872Ile (NM_001142765.2); c.5812G>A, p.Val1938Ile (NM_001142766.2); c.5701G>A, p.Val1901Ile (NM_001142767.2); c.5761G>A, p.Val1921Ile (NM_001142768.2); c.5752G>A, p.Val1918Ile (NM_001142773.2); c.5755G>A, p.Val1919Ile (NM_001354404.2); and 7 more; short protein forms V1872I, V1901I, V1938I, V1919I, V1941I, V1948I, V1918I, V1921I.
Identifiers: ClinVar variation 1988359 (VCV001988359.3), dbSNP rs1564530197, ClinGen allele CA376524138.

ClinVar aggregate classification (germline): Uncertain significance (1 of 4 stars; one submission).

Allele frequency attached by ClinVar (database versions not stated): gnomAD exomes below 0.00001.
gnomAD v4.1: 5 of 1,613,664 alleles (0.00031%); highest among the groups gnomAD compares: South Asian, 0.0055%; no homozygotes.

Submission:

Labcorp Genetics (formerly Invitae), Labcorp
Classification: Uncertain significance. Last evaluated: 2024-05-22. Review status: criteria provided, single submitter. Criteria: Invitae Variant Classification Sherloc (09022015). Collection method: clinical testing. Allele origin: germline.
Comment: This sequence change replaces valine, which is neutral and non-polar, with isoleucine, which is neutral and non-polar, at codon 1941 of the PCDH15 protein (p.Val1941Ile). This variant is present in population databases (no rsID available, gnomAD 0.006%). This variant has not been reported in the literature in individuals affected with PCDH15-related conditions. ClinVar contains an entry for this variant (Variation ID: 1988359). Experimental studies and prediction algorithms are not available or were not evaluated, and the functional significance of this variant is currently unknown. In summary, the available evidence is currently insufficient to determine the role of this variant in disease. Therefore, it has been classified as a Variant of Uncertain Significance.